The following is an entry in ClinVar:

NM_032520.5(GNPTG):c.873_878dup (p.Pro292_Glu293insAspPro)

Gene: GNPTG (N-acetylglucosamine-1-phosphate transferase subunit gamma; plus strand). Cytogenetic location: 16p13.3.
Variant type: Duplication.
Coding change: c.873_878dup on transcript NM_032520.5 (MANE Select); coding-DNA positions 873 to 878, 6 bases duplicated (TCCAGA; older notation c.873_878dupTCCAGA).
Protein change: p.Pro292_Glu293insAspPro.
Molecular consequence: inframe insertion.
Genome position (GRCh38, 1-based): chr16:1,363,046-1,363,051, TCCAGA duplicated. VCF-style (leftmost placement, unchanged base first): chr16-1363045-C-CTCCAGA. GRCh37 (hg19) VCF-style: chr16-1413046-C-CTCCAGA.
Identifiers: ClinVar variation 553980 (VCV000553980.5), dbSNP rs775705721, ClinGen allele CA7808013.
Genomic context (GRCh38, chr16:1,363,045, plus strand): 5'-GTGTTTTGGCAGAAACTTCCAACTTGGAGCACTTGGGCCACGAGACGCCCAGAGCCAAGT[C>CTCCAGA]TCCAGAGCAGCTGCGGGGTGACCCAGGACTGCGTGGGAGTTTGTGACCTTGTGGTGGGAG-3'

ClinVar aggregate classification (germline): Uncertain significance. Review status: criteria provided, single submitter (1 of 4 stars). 2 submissions from 2 submitters: Uncertain significance (1). 1 of the submissions does not count toward it. Last evaluated 2021-11-06.

Conditions:
GNPTG-mucolipidosis. Also called: ML III GAMMA; ML IIIC; Mucolipidosis type III gamma; MUCOLIPIDOSIS III, COMPLEMENTATION GROUP C; MUCOLIPIDOSIS III, IRANIAN VARIANT FORM; MUCOLIPIDOSIS III, VARIANT FORM. Identifiers: Orphanet 423470, Orphanet 577, MedGen C1854896, MONDO:0009652, OMIM 252605.

Allele frequency attached by ClinVar (database versions not stated): gnomAD below 0.00001 and 0.00001; TOPMed below 0.00001; gnomAD exomes 0.00005 and 0.00012; ExAC 0.00011.

Submissions (2):

Labcorp Genetics (formerly Invitae), Labcorp
Classification: Uncertain significance. Last evaluated: 2021-11-06. Review status: criteria provided, single submitter. Criteria: Invitae Variant Classification Sherloc (09022015). Collection method: clinical testing. Allele origin: germline.
Comment: This variant, c.873_878dup, results in the insertion of 2 amino acid(s) of the GNPTG protein (p.Pro292_Glu293insAspPro), but otherwise preserves the integrity of the reading frame. This variant is present in population databases (rs775705721, gnomAD 0.09%). This variant has not been reported in the literature in individuals affected with GNPTG-related conditions. ClinVar contains an entry for this variant (Variation ID: 553980). Experimental studies and prediction algorithms are not available or were not evaluated, and the functional significance of this variant is currently unknown. In summary, the available evidence is currently insufficient to determine the role of this variant in disease. Therefore, it has been classified as a Variant of Uncertain Significance.

Counsyl
Classification: Uncertain significance for GNPTG-mucolipidosis. Last evaluated: 2017-10-05. Review status: no assertion criteria provided. Collection method: clinical testing. Allele origin: unknown. Not counted in ClinVar's aggregate classification.